The following is an entry in ClinVar:

NM_004612.4(TGFBR1):c.98-1G>C

Gene: TGFBR1 (transforming growth factor beta receptor 1; plus strand). Cytogenetic location: 9q22.33.
Variant type: single nucleotide variant.
Coding change: c.98-1G>C on transcript NM_004612.4 (MANE Select); the canonical splice acceptor site of the intron before coding-DNA position 98, G replaced by C.
Molecular consequence: splice acceptor variant. On other transcripts: intron variant (3).
Genome position (GRCh38, 1-based): chr9:99,128,854, G>C. VCF-style: chr9-99128854-G-C. GRCh37 (hg19) VCF-style: chr9-101891136-G-C.
Other names: c.-110-1G>C (NM_001407418.1, NM_001407423.1, NM_001407424.1 and 12 more transcripts); c.98-1G>C (NM_001306210.2, NM_001407416.1, NM_001407417.1 and 2 more transcripts); c.98-3655G>C (NM_001407436.1); c.98-9005G>C (NM_001407438.1); c.98-13682G>C (NM_001407437.1).
Identifiers: ClinVar variation 4715138 (VCV004715138.1).
Genomic context (GRCh38, chr9:99,128,854, plus strand): 5'-ATTGGATAATTTCAAACTGTTAACCTTGAGATTTTTTCTAAGAATCTTTCTCTTTTTCCA[G>C]CGTTACAGTGTTTCTGCCACCTCTGTACAAAAGACAATTTTACTTGTGTGACAGATGGGC-3'

ClinVar aggregate classification (germline): Likely pathogenic (1 of 4 stars; one submission).

Conditions:
Familial thoracic aortic aneurysm and aortic dissection (TAAD). Also called: Thoracic aortic aneurysms and dissections. Identifiers: Orphanet 91387, MedGen C4707243, MONDO:0019625.

Submission:

Labcorp Genetics (formerly Invitae), Labcorp
Classification: Likely pathogenic for Familial thoracic aortic aneurysm and aortic dissection. Last evaluated: 2025-03-26. Review status: criteria provided, single submitter. Criteria: Invitae Variant Classification Sherloc (09022015). Collection method: clinical testing. Allele origin: germline.
Comment: This sequence change affects an acceptor splice site in intron 1 of the TGFBR1 gene. It is expected to disrupt RNA splicing. Variants that disrupt the donor or acceptor splice site typically lead to a loss of protein function (PMID: 16199547), and loss-of-function variants in TGFBR1 are known to be pathogenic (PMID: 21358634). This variant is not present in population databases (gnomAD no frequency). Disruption of this splice site has been observed in individual(s) with clinical features of TGFBR1-related conditions (internal data). Algorithms developed to predict the effect of sequence changes on RNA splicing suggest that this variant may disrupt the consensus splice site. In summary, the currently available evidence indicates that the variant is pathogenic, but additional data are needed to prove that conclusively. Therefore, this variant has been classified as Likely Pathogenic.

Literature cited by the submitters: PubMed 16199547; PubMed 21358634.